The following is an entry in ClinVar:

NM_000443.4(ABCB4):c.1119+1G>T

Gene: ABCB4 (ATP binding cassette subfamily B member 4; minus strand). Cytogenetic location: 7q21.12.
Variant type: single nucleotide variant.
Coding change: c.1119+1G>T on transcript NM_000443.4 (MANE Select); the canonical splice donor site of the intron after coding-DNA position 1119, G replaced by T.
Molecular consequence: splice donor variant.
Genome position (GRCh38, 1-based): chr7:87,444,861, C>A on the plus strand (G>T on the coding strand, the complement: ABCB4 is on the minus strand). VCF-style: chr7-87444861-C-A. GRCh37 (hg19) VCF-style: chr7-87074177-C-A.
Other names: c.1119+1G>T (NM_018850.3, NM_018849.3).
Identifiers: ClinVar variation 812983 (VCV000812983.3), dbSNP rs1584750660, ClinGen allele CA368047671.

ClinVar aggregate classification (germline): Pathogenic. Review status: criteria provided, single submitter (1 of 4 stars). 2 submissions from 2 submitters: Pathogenic (1). 1 of the submissions does not count toward it. Last evaluated 2026-04-14.

Conditions:
Familial intrahepatic cholestasis. Identifiers: Orphanet 284385, MedGen CN296401, MONDO:0017290.
Cholestasis, intrahepatic, of pregnancy, 3. Identifiers: Orphanet 69665, MedGen C3554241, MONDO:0013995, OMIM 614972.

Allele frequency attached by ClinVar (database versions not stated): gnomAD exomes below 0.00001.
gnomAD v4.1: 6 of 1,599,818 alleles (0.00038%); highest among the groups gnomAD compares: Non-Finnish European, 0.00043%; no homozygotes.

Submissions (2):

Genomenon, Inc
Classification: Pathogenic for Familial intrahepatic cholestasis. Last evaluated: 2026-04-14. Review status: criteria provided, single submitter. Criteria: Genomenon Sequence Variant Interpretation Standards - Updated. Collection method: curation. Allele origin: germline. Affected: yes.
Comment: ABCB4 c.1119+1G>T is a canonical splice variant affecting the donor splice site of intron 10. It is predicted to affect mRNA splicing, leading to a deleterious effect on the ABCB4 protein. This variant has been observed in at least one proband with an ABCB4-related disorder (PMID:32581362). It is absent or not present at a significant frequency in gnomAD. In conclusion, we classify ABCB4 c.1119+1G>T as a pathogenic variant.

NIHR Bioresource Rare Diseases, University of Cambridge
Classification: Likely pathogenic for Cholestasis, intrahepatic, of pregnancy, 3. Review status: no assertion criteria provided. Collection method: research. Allele origin: unknown. Affected: yes. Observed: 1 variant allele. Not counted in ClinVar's aggregate classification.

Literature cited by the submitters: PubMed 32581362 (cited by Genomenon, Inc and NIHR Bioresource Rare Diseases, University of Cambridge).